The following is an entry in ClinVar:

NM_004370.6(COL12A1):c.823+4G>A

Gene: COL12A1 (collagen type XII alpha 1 chain; minus strand). Cytogenetic location: 6q13.
Variant type: single nucleotide variant.
Coding change: c.823+4G>A on transcript NM_004370.6 (MANE Select); 4 bases into the intron after coding-DNA position 823, G replaced by A.
Molecular consequence: intron variant.
Genome position (GRCh38, 1-based): chr6:75,189,213, C>T on the plus strand (G>A on the coding strand, the complement: COL12A1 is on the minus strand). VCF-style: chr6-75189213-C-T. GRCh37 (hg19) VCF-style: chr6-75898929-C-T.
Other names: c.73+13507G>A (NM_080645.3).
Identifiers: ClinVar variation 2133175 (VCV002133175.4), dbSNP rs2533600426, ClinGen allele CA2578672080.

ClinVar aggregate classification (germline): Uncertain significance (1 of 4 stars; one submission).

Conditions:
Ullrich congenital muscular dystrophy 2 (UCMD2). Identifiers: Orphanet 75840, MedGen C4225314, MONDO:0014654, OMIM 616470.
Bethlem myopathy 2 (BTHLM2). Identifiers: Orphanet 536516, Orphanet 610, MedGen C4225313, MONDO:0034022, OMIM 616471.

Allele frequency attached by ClinVar (database versions not stated): gnomAD exomes below 0.00001.
gnomAD v4.1: 1 of 1,611,914 alleles (0.000062%); highest among the groups gnomAD compares: Non-Finnish European, 0.000085%; no homozygotes.

Submission:

Labcorp Genetics (formerly Invitae), Labcorp
Classification: Uncertain significance for Bethlem myopathy 2; Ullrich congenital muscular dystrophy 2. Last evaluated: 2022-10-18. Review status: criteria provided, single submitter. Criteria: Invitae Variant Classification Sherloc (09022015). Collection method: clinical testing. Allele origin: germline.
Comment: In summary, the available evidence is currently insufficient to determine the role of this variant in disease. Therefore, it has been classified as a Variant of Uncertain Significance. Variants that disrupt the consensus splice site are a relatively common cause of aberrant splicing (PMID: 17576681, 9536098). Algorithms developed to predict the effect of sequence changes on RNA splicing suggest that this variant is not likely to affect RNA splicing. This variant has not been reported in the literature in individuals affected with COL12A1-related conditions. This variant is not present in population databases (gnomAD no frequency). This sequence change falls in intron 7 of the COL12A1 gene. It does not directly change the encoded amino acid sequence of the COL12A1 protein. It affects a nucleotide within the consensus splice site.

Literature cited by the submitters: PubMed 17576681; PubMed 9536098.